The following is an entry in ClinVar:

NM_001127649.3(PEX26):c.227G>A (p.Gly76Asp)

Gene: PEX26 (peroxisomal biogenesis factor 26; plus strand). Cytogenetic location: 22q11.21.
Variant type: single nucleotide variant.
Coding change: c.227G>A on transcript NM_001127649.3 (MANE Select); coding-DNA position 227, G replaced by A.
Protein change: p.Gly76Asp; replaces glycine 76 with aspartic acid.
Molecular consequence: missense variant.
Genome position (GRCh38, 1-based): chr22:18,078,603, G>A. VCF-style: chr22-18078603-G-A. GRCh37 (hg19) VCF-style: chr22-18561369-G-A.
Other names: c.227G>A, p.Gly76Asp (NM_001199319.2, NM_017929.6); short protein forms G76D.
Identifiers: ClinVar variation 1054684 (VCV001054684.10), dbSNP rs751562812, ClinGen allele CA10093250.

ClinVar aggregate classification (germline): Uncertain significance (1 of 4 stars; one submission).

Conditions:
Peroxisome biogenesis disorder 7A (Zellweger). Also called: Peroxisome biogenesis disorder 7A. Identifiers: Orphanet 912, MedGen C3888385, MONDO:0013938, OMIM 614872.
Peroxisome biogenesis disorder 7B (PBD7B). Identifiers: Orphanet 44, MedGen C3553951, MONDO:0013939, OMIM 614873.

Allele frequency attached by ClinVar (database versions not stated): ExAC 0.00002.
gnomAD v4.1: 2 of 1,598,596 alleles (0.00013%); highest among the groups gnomAD compares: Admixed American, 0.0017%; no homozygotes.

Submission:

Labcorp Genetics (formerly Invitae), Labcorp
Classification: Uncertain significance for Peroxisome biogenesis disorder 7A (Zellweger); Peroxisome biogenesis disorder 7B. Last evaluated: 2023-10-13. Review status: criteria provided, single submitter. Criteria: Invitae Variant Classification Sherloc (09022015). Collection method: clinical testing. Allele origin: germline.
Comment: This sequence change replaces glycine, which is neutral and non-polar, with aspartic acid, which is acidic and polar, at codon 76 of the PEX26 protein (p.Gly76Asp). The frequency data for this variant in the population databases is considered unreliable, as metrics indicate poor data quality at this position in the gnomAD database. This variant has not been reported in the literature in individuals affected with PEX26-related conditions. ClinVar contains an entry for this variant (Variation ID: 1054684). Advanced modeling of protein sequence and biophysical properties (such as structural, functional, and spatial information, amino acid conservation, physicochemical variation, residue mobility, and thermodynamic stability) performed at Invitae indicates that this missense variant is not expected to disrupt PEX26 protein function. In summary, the available evidence is currently insufficient to determine the role of this variant in disease. Therefore, it has been classified as a Variant of Uncertain Significance.